The following is an entry in ClinVar:

NM_206933.4(USH2A):c.15017C>T (p.Thr5006Met)

Gene: USH2A (usherin; minus strand). Cytogenetic location: 1q41.
Variant type: single nucleotide variant.
Coding change: c.15017C>T on transcript NM_206933.4 (MANE Select); coding-DNA position 15017, C replaced by T.
Protein change: p.Thr5006Met; replaces threonine 5006 with methionine.
Molecular consequence: missense variant.
Genome position (GRCh38, 1-based): chr1:215,639,190, G>A on the plus strand (C>T on the coding strand, the complement: USH2A is on the minus strand). VCF-style: chr1-215639190-G-A. GRCh37 (hg19) VCF-style: chr1-215812532-G-A.
Other names: short protein forms T5006M.
Identifiers: ClinVar variation 553406 (VCV000553406.25), dbSNP rs757676723, ClinGen allele CA1392832.

ClinVar aggregate classification (germline): Pathogenic/Likely pathogenic. Review status: criteria provided, multiple submitters, no conflicts (2 of 4 stars). 14 submissions from 12 submitters: Pathogenic (6); Likely pathogenic (7). 1 of the submissions does not count toward it. Last evaluated 2026-01-16.

Conditions:
Usher syndrome. Also called: Usher Syndromes; Usher's syndrome. Identifiers: Orphanet 886, MedGen CN469326, MeSH D052245, MONDO:0019501. Disease mechanism: loss of function.
Usher syndrome type 2A. Also called: RETINAL DISEASE IN USHER SYNDROME TYPE IIA, MODIFIER OF; USHER SYNDROME, TYPE IIA. Identifiers: Orphanet 231178, Orphanet 886, MedGen C1848634, MONDO:0010169, OMIM 276901.
Retinitis pigmentosa 39 (RP39). Identifiers: Orphanet 791, MedGen C3151138, MONDO:0013436, OMIM 613809.
USH2A-related disorder. Also called: USH2A-related disorders; USH2A-related condition. Identifiers: MedGen CN239332.

Allele frequency attached by ClinVar (database versions not stated): gnomAD exomes 0.00001; ExAC 0.00002; gnomAD 0.00002; TOPMed 0.00002.
gnomAD v4.1: 16 of 1,613,964 alleles (0.00099%); highest among the groups gnomAD compares: Non-Finnish European, 0.0012%; no homozygotes.

Submissions (14):

Natera, Inc.
Classification: Pathogenic for Usher syndrome type 2A. Last evaluated: 2026-01-16. Review status: criteria provided, single submitter. Criteria: Natera Variant Classification Schema (03/2026). Collection method: clinical testing. Allele origin: germline.
Comment: The c.15017C>T variant in USH2A is a missense variant predicted to cause substitution of threonine to methionine at amino acid 5006. This variant is rare in the general population with a frequency below the threshold expected for the associated phenotype(s). This variant has been observed in one or more individuals affected with the associated recessive disease, as either homozygous or compound heterozygous with a second variant (PMID: 28944237, 27583663, 27460420, 33089500). Computational prediction algorithms indicate this variant is likely to affect gene or protein function. Given the available evidence, this variant is classified as Pathogenic.

Genomic Medicine Center of Excellence, King Faisal Specialist Hospital and Research Centre
Classification: Likely pathogenic for Usher syndrome type 2A. Last evaluated: 2025-09-10. Review status: criteria provided, single submitter. Criteria: ACMG Guidelines, 2015. Collection method: clinical testing. Allele origin: germline.

Labcorp Genetics (formerly Invitae), Labcorp
Classification: Likely pathogenic. Last evaluated: 2025-01-21. Review status: criteria provided, single submitter. Criteria: Invitae Variant Classification Sherloc (09022015). Collection method: clinical testing. Allele origin: germline.
Comment: This sequence change replaces threonine, which is neutral and polar, with methionine, which is neutral and non-polar, at codon 5006 of the USH2A protein (p.Thr5006Met). The frequency data for this variant in the population databases is considered unreliable, as metrics indicate poor data quality at this position in the gnomAD database. This missense change has been observed in individuals with retinitis pigmentosa and/or Usher syndrome (PMID: 27460420, 27583663, 28944237, 35266249; internal data). ClinVar contains an entry for this variant (Variation ID: 553406). Invitae Evidence Modeling of protein sequence and biophysical properties (such as structural, functional, and spatial information, amino acid conservation, physicochemical variation, residue mobility, and thermodynamic stability) has been performed for this missense variant. However, the output from this modeling did not meet the statistical confidence thresholds required to predict the impact of this variant on USH2A protein function. In summary, the currently available evidence indicates that the variant is pathogenic, but additional data are needed to prove that conclusively. Therefore, this variant has been classified as Likely Pathogenic.

Baylor Genetics
Classification: Pathogenic for Retinitis pigmentosa 39. Last evaluated: 2024-02-25. Review status: criteria provided, single submitter. Criteria: ACMG Guidelines, 2015. Collection method: clinical testing. Allele origin: unknown.

GeneDx
Classification: Likely pathogenic. Last evaluated: 2024-02-16. Review status: criteria provided, single submitter. Criteria: GeneDx Variant Classification Process June 2021. Collection method: clinical testing. Allele origin: germline. Affected: yes.
Comment: Not observed at significant frequency in large population cohorts (gnomAD); In silico analysis supports that this missense variant does not alter protein structure/function; This variant is associated with the following publications: (PMID: 25356976, 32037395, 32188678, 33726816, 29881650, 27583663, 28944237, 35266249, 31964843, 36646238, 31152317, 36729443, 27460420, 36110214, 33089500)

Genome-Nilou Lab
Classification: Likely pathogenic for Retinitis pigmentosa 39. Last evaluated: 2023-11-04. Review status: criteria provided, single submitter. Criteria: ACMG Guidelines, 2015. Collection method: clinical testing. Allele origin: germline. Affected: no.

Genome-Nilou Lab
Classification: Likely pathogenic for Usher syndrome type 2A. Last evaluated: 2023-11-04. Review status: criteria provided, single submitter. Criteria: ACMG Guidelines, 2015. Collection method: clinical testing. Allele origin: germline. Affected: no.

Revvity Omics, Revvity
Classification: Pathogenic. Last evaluated: 2023-05-19. Review status: criteria provided, single submitter. Criteria: ACMG Guidelines, 2015. Collection method: clinical testing. Allele origin: germline.

Blueprint Genetics
Classification: Pathogenic for USH2A-related disorders. Last evaluated: 2021-10-06. Review status: criteria provided, single submitter. Criteria: ACMG Guidelines, 2015. Collection method: clinical testing. Allele origin: germline. Affected: yes. Observed: 5 variant alleles.

Women's Health and Genetics/Laboratory Corporation of America, LabCorp
Classification: Pathogenic for Usher syndrome. Last evaluated: 2021-09-09. Review status: criteria provided, single submitter. Criteria: LabCorp Variant Classification Summary - May 2015. Collection method: clinical testing. Allele origin: germline.
Comment: Variant summary: USH2A c.15017C>T (p.Thr5006Met) results in a non-conservative amino acid change in the encoded protein sequence. Four of five in-silico tools predict a damaging effect of the variant on protein function. The variant allele was found at a frequency of 8e-06 in 251404 control chromosomes. c.15017C>T has been reported in the literature in multiple comprehensively evaluated and well genotyped individuals affected with Usher Syndrome/hearing loss/retinal dystrophy (example, Huang_2015, Abdi_2016, Neuhaus_2017, Wafa_2021, van Beeck Calkoen_2019, Gao_2021). These data indicate that the variant is very likely to be associated with disease. To our knowledge, no experimental evidence demonstrating an impact on protein function has been reported. Six clinical diagnostic laboratories have submitted clinical-significance assessments for this variant to ClinVar after 2014 without evidence for independent evaluation. All laboratories classified the variant as pathogenic (n=2)/likely pathogenic (n=4). Based on the evidence outlined above, the variant was classified as pathogenic.

Centre for Inherited Metabolic Diseases, Karolinska University Hospital
Classification: Likely pathogenic for Usher syndrome type 2A. Last evaluated: 2021-03-25. Review status: criteria provided, single submitter. Criteria: ACMG Guidelines, 2015. Collection method: clinical testing. Allele origin: germline. Inheritance: Autosomal recessive inheritance. Affected: yes. Observed: 1 compound heterozygote.

Baylor Genetics
Classification: Pathogenic for Usher syndrome type 2A. Last evaluated: 2020-01-30. Review status: criteria provided, single submitter. Criteria: ACMG Guidelines, 2015. Collection method: clinical testing. Allele origin: unknown. Affected: yes.
Comment: This variant was determined to be pathogenic according to ACMG Guidelines, 2015 [PMID:25741868].

Juno Genomics, Hangzhou Juno Genomics, Inc
Classification: Likely pathogenic for Usher syndrome type 2A; Retinitis pigmentosa 39. Review status: criteria provided, single submitter. Criteria: ACMG Guidelines, 2015. Collection method: clinical testing. Allele origin: germline. Affected: yes.
Comment: Absent from controls (or at extremely low frequency if recessive) in Genome Aggregation Database, Exome Sequencing Project, 1000 Genomes Project, or Exome Aggregation Consortium.;For recessive disorders, detected in trans with a pathogenic variant.;Patient's phenotype or family history is highly specific for a disease with a single genetic etiology.

Counsyl
Classification: Likely pathogenic for Usher syndrome type 2A; Retinitis pigmentosa 39. Last evaluated: 2017-08-18. Review status: no assertion criteria provided. Collection method: clinical testing. Allele origin: unknown. Not counted in ClinVar's aggregate classification.

Literature cited by the submitters: PubMed 28944237 (cited by 3 submitters); PubMed 27583663 (cited by 4 submitters); PubMed 27460420 (cited by 4 submitters); PubMed 33089500 (cited by Natera, Inc. and Women's Health and Genetics/Laboratory Corporation of America, LabCorp); PubMed 35266249 (cited by Labcorp Genetics (formerly Invitae), Labcorp); PubMed 25356976 (cited by Women's Health and Genetics/Laboratory Corporation of America, LabCorp and Counsyl); PubMed 32188678 (cited by Women's Health and Genetics/Laboratory Corporation of America, LabCorp); PubMed 31152317 (cited by Women's Health and Genetics/Laboratory Corporation of America, LabCorp).